The following is an entry in ClinVar:

NM_032193.4(RNASEH2C):c.400C>G (p.Leu134Val)

Gene: RNASEH2C (ribonuclease H2 subunit C; minus strand). Cytogenetic location: 11q13.1.
Variant type: single nucleotide variant.
Coding change: c.400C>G on transcript NM_032193.4 (MANE Select); coding-DNA position 400, C replaced by G.
Protein change: p.Leu134Val; replaces leucine 134 with valine.
Molecular consequence: missense variant.
Genome position (GRCh38, 1-based): chr11:65,720,113, G>C on the plus strand (C>G on the coding strand, the complement: RNASEH2C is on the minus strand). VCF-style: chr11-65720113-G-C. GRCh37 (hg19) VCF-style: chr11-65487584-G-C.
Other names: short protein forms L134V.
Identifiers: ClinVar variation 2825011 (VCV002825011.3), dbSNP rs930113676, ClinGen allele CA223999313.

ClinVar aggregate classification (germline): Uncertain significance (1 of 4 stars; one submission).

Conditions:
Aicardi-Goutieres syndrome 3. Identifiers: Orphanet 51, MedGen C1835916, MONDO:0012471, OMIM 610329.

Allele frequency attached by ClinVar (database versions not stated): TOPMed below 0.00001.

Submission:

Labcorp Genetics (formerly Invitae), Labcorp
Classification: Uncertain significance for Aicardi-Goutieres syndrome 3. Last evaluated: 2023-07-16. Review status: criteria provided, single submitter. Criteria: Invitae Variant Classification Sherloc (09022015). Collection method: clinical testing. Allele origin: germline.
Comment: This sequence change replaces leucine, which is neutral and non-polar, with valine, which is neutral and non-polar, at codon 134 of the RNASEH2C protein (p.Leu134Val). This variant is present in population databases (no rsID available, gnomAD 0.0009%). In summary, the available evidence is currently insufficient to determine the role of this variant in disease. Therefore, it has been classified as a Variant of Uncertain Significance. An algorithm developed to predict the effect of missense changes on protein structure and function (PolyPhen-2) suggests that this variant is likely to be disruptive. This variant has not been reported in the literature in individuals affected with RNASEH2C-related conditions.